The following is an entry in ClinVar:

ClinVar aggregate classification (germline): Likely pathogenic. Review status: criteria provided, single submitter (1 of 4 stars). 2 submissions from 2 submitters: Likely pathogenic (1). 1 of the submissions does not count toward it. Last evaluated 2024-02-24.

Conditions:
Nemaline myopathy 2 (NEM2). Also called: Nemaline myopathy 2, autosomal recessive. Identifiers: MedGen C1850569, MONDO:0009725, OMIM 256030.

Submissions (2):

Labcorp Genetics (formerly Invitae), Labcorp
Classification: Likely pathogenic for Nemaline myopathy 2. Last evaluated: 2024-02-24. Review status: criteria provided, single submitter. Criteria: Invitae Variant Classification Sherloc (09022015). Collection method: clinical testing. Allele origin: germline.
Comment: This sequence change affects an acceptor splice site in intron 20 of the NEB gene. It is expected to disrupt RNA splicing. Variants that disrupt the donor or acceptor splice site typically lead to a loss of protein function (PMID: 16199547), and loss-of-function variants in NEB are known to be pathogenic (PMID: 25205138). This variant is not present in population databases (gnomAD no frequency). This variant has not been reported in the literature in individuals affected with NEB-related conditions. ClinVar contains an entry for this variant (Variation ID: 552281). Algorithms developed to predict the effect of sequence changes on RNA splicing suggest that this variant may disrupt the consensus splice site. In summary, the currently available evidence indicates that the variant is pathogenic, but additional data are needed to prove that conclusively. Therefore, this variant has been classified as Likely Pathogenic.

Counsyl
Classification: Likely pathogenic for Nemaline myopathy 2. Last evaluated: 2017-06-01. Review status: no assertion criteria provided. Collection method: clinical testing. Allele origin: unknown. Not counted in ClinVar's aggregate classification.

Literature cited by the submitters: PubMed 16199547 (cited by Labcorp Genetics (formerly Invitae), Labcorp); PubMed 25205138 (cited by Labcorp Genetics (formerly Invitae), Labcorp).

NM_001164508.2(NEB):c.1897-1G>A

Gene: NEB (nebulin; minus strand). Cytogenetic location: 2q23.3.
Variant type: single nucleotide variant.
Coding change: c.1897-1G>A on transcript NM_001164508.2 (MANE Select); the canonical splice acceptor site of the intron before coding-DNA position 1897, G replaced by A.
Molecular consequence: splice acceptor variant.
Genome position (GRCh38, 1-based): chr2:151,692,363, C>T on the plus strand (G>A on the coding strand, the complement: NEB is on the minus strand). VCF-style: chr2-151692363-C-T. GRCh37 (hg19) VCF-style: chr2-152548877-C-T.
Other names: c.1897-1G>A (NM_004543.5, NM_001164507.2, NM_001271208.2).
Identifiers: ClinVar variation 552281 (VCV000552281.10), dbSNP rs1553593177, ClinGen allele CA348824274.